The following is an entry in ClinVar:

ClinVar aggregate classification (germline): Uncertain significance (1 of 4 stars; one submission).

Conditions:
Neurofibromatosis, type 1 (NF1). Also called: Peripheral type neurofibromatosis; VON RECKLINGHAUSEN DISEASE; NEUROFIBROMATOSIS, TYPE I, SOMATIC; Neurofibromatosis, type I. Identifiers: Orphanet 636, MedGen C0027831, MONDO:0018975, OMIM 162200. Disease mechanism: loss of function.

Submission:

Labcorp Genetics (formerly Invitae), Labcorp
Classification: Uncertain significance for Neurofibromatosis, type 1. Last evaluated: 2024-08-16. Review status: criteria provided, single submitter. Criteria: Invitae Variant Classification Sherloc (09022015). Collection method: clinical testing. Allele origin: germline.
Comment: This sequence change falls in intron 16 of the NF1 gene. It does not directly change the encoded amino acid sequence of the NF1 protein. This variant is not present in population databases (gnomAD no frequency). This variant has not been reported in the literature in individuals affected with NF1-related conditions. Algorithms developed to predict the effect of sequence changes on RNA splicing suggest that this variant may disrupt the consensus splice site. In summary, the available evidence is currently insufficient to determine the role of this variant in disease. Therefore, it has been classified as a Variant of Uncertain Significance.

NM_001042492.3(NF1):c.1846-8_1846-5del

Gene: NF1 (neurofibromin 1; plus strand). Cytogenetic location: 17q11.2.
Variant type: Deletion.
Coding change: c.1846-8_1846-5del on transcript NM_001042492.3 (MANE Select); 8 bases into the intron before coding-DNA position 1846 through 5 bases into the intron before coding-DNA position 1846, 4 bases deleted (TTTT; older notation c.1846-8_1846-5delTTTT).
Molecular consequence: intron variant.
Genome position (GRCh38, 1-based): chr17:31,225,087-31,225,090, TTTT deleted; deleting any 4 consecutive bases within chr17:31,225,084-31,225,090 gives the same sequence; the c. name uses the placement nearest the transcript's 3' end. VCF-style (leftmost placement, unchanged base first): chr17-31225083-ATTTT-A. GRCh37 (hg19) VCF-style: chr17-29552101-ATTTT-A.
Other names: c.1846-8_1846-5del (NM_000267.4).
Identifiers: ClinVar variation 3662643 (VCV003662643.2).
Genomic context (GRCh38, chr17:31,225,083, plus strand): 5'-CAACTCAAATAAGTGTTTATTCCTCTTGGTTGTCAGTGCTTCAGTAAAGCTTATTTATTT[ATTTT>A]TTTCTAGCAGGCAGATAGAAGTTCCTGTCACTTTCTCCTTTTTTACGGGGTAGGATGTGA-3'